The following is an entry in ClinVar:

NM_000465.4(BARD1):c.1970C>T (p.Pro657Leu)

Gene: BARD1 (BRCA1 associated RING domain 1; minus strand). Cytogenetic location: 2q35.
Variant type: single nucleotide variant.
Coding change: c.1970C>T on transcript NM_000465.4 (MANE Select); coding-DNA position 1970, C replaced by T.
Protein change: p.Pro657Leu; replaces proline 657 with leucine.
Molecular consequence: missense variant. On other transcripts: non-coding transcript variant (3).
Genome position (GRCh38, 1-based): chr2:214,730,442, G>A on the plus strand (C>T on the coding strand, the complement: BARD1 is on the minus strand). VCF-style: chr2-214730442-G-A. GRCh37 (hg19) VCF-style: chr2-215595166-G-A.
Other names: c.1913C>T, p.Pro638Leu (NM_001282543.2); c.617C>T, p.Pro206Leu (NM_001282545.2); c.560C>T, p.Pro187Leu (NM_001282548.2); c.431C>T, p.Pro144Leu (NM_001282549.2); c.1970C>T (NM_000465.2); short protein forms P657L, P187L, P638L, P144L, P206L.
Identifiers: ClinVar variation 572291 (VCV000572291.11), dbSNP rs1559373931, ClinGen allele CA350451139.

ClinVar aggregate classification (germline): Uncertain significance. Review status: criteria provided, multiple submitters, no conflicts (2 of 4 stars). 3 submissions from 3 submitters: Uncertain significance (3). Last evaluated 2024-12-29.

Conditions:
Hereditary cancer-predisposing syndrome. Also called: Neoplastic Syndromes, Hereditary; Hereditary Cancer Syndrome; Tumor predisposition; Hereditary neoplastic syndrome. Identifiers: Orphanet 140162, MedGen C0027672, MeSH D009386, MONDO:0015356.
Familial cancer of breast. Also called: hereditary breast carcinoma; BREAST CANCER, FAMILIAL; Hereditary breast cancer. Identifiers: Orphanet 227535, MedGen C0346153, MONDO:0016419, OMIM 114480. Disease mechanism: loss of function.

gnomAD v4.1: 2 of 1,613,724 alleles (0.00012%); highest among the groups gnomAD compares: Non-Finnish European, 0.00017%; no homozygotes.

Submissions (3):

Labcorp Genetics (formerly Invitae), Labcorp
Classification: Uncertain significance for Familial cancer of breast. Last evaluated: 2024-12-29. Review status: criteria provided, single submitter. Criteria: Invitae Variant Classification Sherloc (09022015). Collection method: clinical testing. Allele origin: germline.
Comment: This sequence change replaces proline, which is neutral and non-polar, with leucine, which is neutral and non-polar, at codon 657 of the BARD1 protein (p.Pro657Leu). This variant is not present in population databases (gnomAD no frequency). This variant has not been reported in the literature in individuals affected with BARD1-related conditions. ClinVar contains an entry for this variant (Variation ID: 572291). An algorithm developed to predict the effect of missense changes on protein structure and function (PolyPhen-2) suggests that this variant is likely to be disruptive. In summary, the available evidence is currently insufficient to determine the role of this variant in disease. Therefore, it has been classified as a Variant of Uncertain Significance.

Ambry Genetics
Classification: Uncertain significance for Hereditary cancer-predisposing syndrome. Last evaluated: 2024-06-25. Review status: criteria provided, single submitter. Criteria: Ambry Variant Classification Scheme 2023. Collection method: clinical testing. Allele origin: germline.
Comment: The p.P657L variant (also known as c.1970C>T), located in coding exon 10 of the BARD1 gene, results from a C to T substitution at nucleotide position 1970. The proline at codon 657 is replaced by leucine, an amino acid with similar properties. This amino acid position is well conserved in available vertebrate species. In addition, the in silico prediction for this alteration is inconclusive. Based on the available evidence, the clinical significance of this variant remains unclear.

GeneDx
Classification: Uncertain significance. Last evaluated: 2022-10-28. Review status: criteria provided, single submitter. Criteria: GeneDx Variant Classification Process June 2021. Collection method: clinical testing. Allele origin: germline. Affected: yes.
Comment: Not observed at significant frequency in large population cohorts (gnomAD); In silico analysis supports that this missense variant has a deleterious effect on protein structure/function; Has not been previously published as pathogenic or benign to our knowledge